The following is an entry in ClinVar:

NM_001374828.1(ARID1B):c.5179del (p.Arg1727fs)

Gene: ARID1B (AT-rich interaction domain 1B; plus strand). Cytogenetic location: 6q25.3.
Variant type: Deletion.
Coding change: c.5179del on transcript NM_001374828.1 (MANE Select); coding-DNA position 5179, one base deleted (A; older notation c.5179delA).
Protein change: p.Arg1727fs; shifts the reading frame from arginine 1727.
Molecular consequence: frameshift variant.
Genome position (GRCh38, 1-based): chr6:157,201,404, A deleted; the last of 2 consecutive A bases (chr6:157,201,403-157,201,404); deleting either gives the same sequence. VCF-style (leftmost placement, unchanged base first): chr6-157201402-GA-G. GRCh37 (hg19) VCF-style: chr6-157522536-GA-G.
Other names: c.2680del, p.Arg894fs (NM_001363725.2); c.5059del, p.Arg1687fs (NM_001371656.1, NM_001374820.1); c.5020del, p.Arg1674fs (NM_017519.3); short protein forms R1727fs, R1674fs, R1687fs, R894fs.
Identifiers: ClinVar variation 3638204 (VCV003638204.2).

ClinVar aggregate classification (germline): Pathogenic (1 of 4 stars; one submission).

Submission:

Labcorp Genetics (formerly Invitae), Labcorp
Classification: Pathogenic. Last evaluated: 2024-02-02. Review status: criteria provided, single submitter. Criteria: Invitae Variant Classification Sherloc (09022015). Collection method: clinical testing. Allele origin: germline.
Comment: This sequence change creates a premature translational stop signal (p.Arg1604Glyfs*10) in the ARID1B gene. It is expected to result in an absent or disrupted protein product. Loss-of-function variants in ARID1B are known to be pathogenic (PMID: 25674384, 30349098). This variant is not present in population databases (gnomAD no frequency). This variant has not been reported in the literature in individuals affected with ARID1B-related conditions. For these reasons, this variant has been classified as Pathogenic.

Literature cited by the submitters: PubMed 25674384; PubMed 30349098.